The following is an entry in ClinVar:

NM_032737.4(LMNB2):c.712G>A (p.Glu238Lys)

Gene: LMNB2 (lamin B2; minus strand). Cytogenetic location: 19p13.3.
Variant type: single nucleotide variant.
Coding change: c.712G>A on transcript NM_032737.4 (MANE Select); coding-DNA position 712, G replaced by A.
Protein change: p.Glu238Lys; replaces glutamic acid 238 with lysine.
Molecular consequence: missense variant.
Genome position (GRCh38, 1-based): chr19:2,435,144, C>T on the plus strand (G>A on the coding strand, the complement: LMNB2 is on the minus strand). VCF-style: chr19-2435144-C-T. GRCh37 (hg19) VCF-style: chr19-2435142-C-T.
Other names: short protein forms E238K.
Identifiers: ClinVar variation 576161 (VCV000576161.10), dbSNP rs773444127, ClinGen allele CA9067783.

ClinVar aggregate classification (germline): Uncertain significance (1 of 4 stars; one submission).

Conditions:
Lipodystrophy, partial, acquired, susceptibility to (APLD). Also called: APLD, SUSCEPTIBILITY TO. Identifiers: MedGen C3887501, MONDO:0100476, OMIM 608709.
Progressive myoclonic epilepsy type 9. Identifiers: Orphanet 457265, MedGen C4225289, MONDO:0014685, OMIM 616540.

Allele frequency attached by ClinVar (database versions not stated): TOPMed 0.00001; ExAC 0.00002; gnomAD exomes 0.00002.
gnomAD v4.1: 33 of 1,604,640 alleles (0.0021%); highest among the groups gnomAD compares: Non-Finnish European, 0.0024%; no homozygotes.

Submission:

Labcorp Genetics (formerly Invitae), Labcorp
Classification: Uncertain significance for Progressive myoclonic epilepsy type 9; Lipodystrophy, partial, acquired, susceptibility to. Last evaluated: 2020-12-22. Review status: criteria provided, single submitter. Criteria: Invitae Variant Classification Sherloc (09022015). Collection method: clinical testing. Allele origin: germline.
Comment: In summary, the available evidence is currently insufficient to determine the role of this variant in disease. Therefore, it has been classified as a Variant of Uncertain Significance. Algorithms developed to predict the effect of missense changes on protein structure and function (SIFT, PolyPhen-2, Align-GVGD) all suggest that this variant is likely to be disruptive, but these predictions have not been confirmed by published functional studies and their clinical significance is uncertain. This variant has not been reported in the literature in individuals with LMNB2-related disease. This variant is present in population databases (rs773444127, ExAC 0.003%). This sequence change replaces glutamic acid with lysine at codon 238 of the LMNB2 protein (p.Glu238Lys). The glutamic acid residue is highly conserved and there is a small physicochemical difference between glutamic acid and lysine.